The following is an entry in ClinVar:

NM_198428.3(BBS9):c.887-7C>T

Gene: BBS9 (Bardet-Biedl syndrome 9; plus strand). Cytogenetic location: 7p14.3.
Variant type: single nucleotide variant.
Coding change: c.887-7C>T on transcript NM_198428.3 (MANE Select); 7 bases into the intron before coding-DNA position 887, C replaced by T.
Molecular consequence: intron variant.
Genome position (GRCh38, 1-based): chr7:33,273,820, C>T. VCF-style: chr7-33273820-C-T. GRCh37 (hg19) VCF-style: chr7-33313432-C-T.
Other names: c.887-7C>T (NM_001348036.1, NM_001362679.1, NM_001348041.4 and 5 more transcripts); c.614-7C>T (NM_001348038.3, NM_001348039.3); c.521-7C>T (NM_001348037.3, NM_001348045.3, NM_001348046.3 and 1 more transcripts); c.752-7C>T (NM_001348042.3).
Identifiers: ClinVar variation 215978 (VCV000215978.15), dbSNP rs376333670, ClinGen allele CA337563.

ClinVar aggregate classification (germline): Likely benign. Review status: criteria provided, multiple submitters, no conflicts (2 of 4 stars). 3 submissions from 3 submitters: Likely benign (2). 1 of the submissions does not count toward it. Last evaluated 2026-01-16.

Conditions:
BBS9-related disorder. Also called: BBS9-related condition.
Bardet-Biedl syndrome (BBS). Identifiers: Orphanet 110, MedGen C0752166, MONDO:0015229.

Allele frequency attached by ClinVar (database versions not stated): 1000 Genomes Project 30x 0.00016; 1000 Genomes Project 0.00020; TOPMed 0.00032; gnomAD 0.00033 and 0.00036; ESP Exome Variant Server 0.00046.
gnomAD v4.1: 98 of 1,606,066 alleles (0.0061%); highest among the groups gnomAD compares: African/African-American, 0.11%; no homozygotes.

Submissions (3):

Labcorp Genetics (formerly Invitae), Labcorp
Classification: Likely benign for Bardet-Biedl syndrome. Last evaluated: 2026-01-16. Review status: criteria provided, single submitter. Criteria: Invitae Variant Classification Sherloc (09022015). Collection method: clinical testing. Allele origin: germline.

Blueprint Genetics
Classification: Likely benign. Last evaluated: 2024-08-28. Review status: criteria provided, single submitter. Criteria: ACMG Guidelines, 2015. Collection method: clinical testing. Allele origin: germline.

PreventionGenetics, part of Exact Sciences
Classification: Likely benign for BBS9-related condition. Last evaluated: 2020-03-27. Review status: no assertion criteria provided. Collection method: clinical testing. Allele origin: germline. Not counted in ClinVar's aggregate classification.
Comment: This variant is classified as likely benign based on ACMG/AMP sequence variant interpretation guidelines (Richards et al. 2015 PMID: 25741868, with internal and published modifications).